The following is an entry in ClinVar:

ClinVar aggregate classification (germline): Conflicting classifications of pathogenicity. Review status: criteria provided, conflicting classifications (1 of 4 stars). 5 submissions from 5 submitters: Uncertain significance (1); Likely benign (4). Last evaluated 2026-01-21.

Conditions:
Joubert syndrome 17 (JBTS17). Identifiers: Orphanet 475, MedGen C3553264, MONDO:0013824, OMIM 614615.
CPLANE1-related disorder. Also called: CPLANE1-related condition.

Allele frequency attached by ClinVar (database versions not stated): gnomAD exomes 0.00004 and 0.00020; gnomAD 0.00013 and 0.00014; ExAC 0.00019; TOPMed 0.00021.
gnomAD v4.1: 149 of 1,613,372 alleles (0.0092%); highest among the groups gnomAD compares: East Asian, 0.13%; 3 homozygotes.

Submissions (5):

Labcorp Genetics (formerly Invitae), Labcorp
Classification: Likely benign. Last evaluated: 2026-01-21. Review status: criteria provided, single submitter. Criteria: Invitae Variant Classification Sherloc (09022015). Collection method: clinical testing. Allele origin: germline.

PreventionGenetics, part of Exact Sciences
Classification: Likely benign for CPLANE1-related condition. Last evaluated: 2025-02-11. Review status: criteria provided, single submitter. Criteria: ACMG Guidelines, 2015. Collection method: clinical testing. Allele origin: germline.
Comment: This variant is classified as likely benign based on ACMG/AMP sequence variant interpretation guidelines (Richards et al. 2015 PMID: 25741868, with internal and published modifications).

Blueprint Genetics
Classification: Likely benign. Last evaluated: 2024-11-25. Review status: criteria provided, single submitter. Criteria: ACMG Guidelines, 2015. Collection method: clinical testing. Allele origin: germline.

GeneDx
Classification: Likely benign. Last evaluated: 2021-05-24. Review status: criteria provided, single submitter. Criteria: GeneDx Variant Classification Process June 2021. Collection method: clinical testing. Allele origin: germline. Affected: yes.

Illumina Laboratory Services, Illumina
Classification: Uncertain significance for Joubert syndrome 17. Last evaluated: 2018-01-13. Review status: criteria provided, single submitter. Criteria: ICSL Variant Classification Criteria 13 December 2019. Collection method: clinical testing. Allele origin: germline.

NM_001384732.1(CPLANE1):c.7298T>C (p.Leu2433Pro)

Gene: CPLANE1 (ciliogenesis and planar polarity effector complex subunit 1; minus strand). Cytogenetic location: 5p13.2.
Variant type: single nucleotide variant.
Coding change: c.7298T>C on transcript NM_001384732.1 (MANE Select); coding-DNA position 7298, T replaced by C.
Protein change: p.Leu2433Pro; replaces leucine 2433 with proline.
Molecular consequence: missense variant.
Genome position (GRCh38, 1-based): chr5:37,167,149, A>G on the plus strand (T>C on the coding strand, the complement: CPLANE1 is on the minus strand). VCF-style: chr5-37167149-A-G. GRCh37 (hg19) VCF-style: chr5-37167251-A-G.
Other names: c.7298T>C, p.Leu2433Pro (NM_023073.4); short protein forms L2433P.
Identifiers: ClinVar variation 353438 (VCV000353438.19), dbSNP rs372655878, ClinGen allele CA3238094.